The following is an entry in ClinVar:

ClinVar aggregate classification (germline): Uncertain significance (1 of 4 stars; one submission).

Conditions:
Hyperkalemic periodic paralysis. Also called: Familial hyperkalemic periodic paralysis; Gamstorp disease. Identifiers: Orphanet 682, MedGen C0238357, MONDO:0008224, OMIM 170500, HP:0007215.

Allele frequency attached by ClinVar (database versions not stated): gnomAD exomes 0.00001.
gnomAD v4.1: 10 of 1,477,114 alleles (0.00068%); highest among the groups gnomAD compares: Non-Finnish European, 0.00073%; no homozygotes.

Submission:

Labcorp Genetics (formerly Invitae), Labcorp
Classification: Uncertain significance for Hyperkalemic periodic paralysis. Last evaluated: 2022-09-27. Review status: criteria provided, single submitter. Criteria: Invitae Variant Classification Sherloc (09022015). Collection method: clinical testing. Allele origin: germline.
Comment: In summary, the available evidence is currently insufficient to determine the role of this variant in disease. Therefore, it has been classified as a Variant of Uncertain Significance. Advanced modeling of protein sequence and biophysical properties (such as structural, functional, and spatial information, amino acid conservation, physicochemical variation, residue mobility, and thermodynamic stability) has been performed at Invitae for this missense variant, however the output from this modeling did not meet the statistical confidence thresholds required to predict the impact of this variant on SCN4A protein function. ClinVar contains an entry for this variant (Variation ID: 1503346). This variant has not been reported in the literature in individuals affected with SCN4A-related conditions. This variant is not present in population databases (gnomAD no frequency). This sequence change replaces valine, which is neutral and non-polar, with methionine, which is neutral and non-polar, at codon 210 of the SCN4A protein (p.Val210Met).

NM_000334.4(SCN4A):c.628G>A (p.Val210Met)

Gene: SCN4A (sodium voltage-gated channel alpha subunit 4; minus strand). Cytogenetic location: 17q23.3.
Variant type: single nucleotide variant.
Coding change: c.628G>A on transcript NM_000334.4 (MANE Select); coding-DNA position 628, G replaced by A.
Protein change: p.Val210Met; replaces valine 210 with methionine.
Molecular consequence: missense variant.
Genome position (GRCh38, 1-based): chr17:63,971,237, C>T on the plus strand (G>A on the coding strand, the complement: SCN4A is on the minus strand). VCF-style: chr17-63971237-C-T. GRCh37 (hg19) VCF-style: chr17-62048597-C-T.
Other names: short protein forms V210M.
Identifiers: ClinVar variation 1503346 (VCV001503346.8), dbSNP rs1389274007, ClinGen allele CA400638339.
Genomic context (GRCh38, chr17:63,971,237, plus strand): 5'-TGGTTTTGAGGGCCCGCAGCACCCGGAAGGTCCTCAGGGCTGAGATGTTGCCCAAGTCCA[C>T]AAACTCTGTCAGGTACCTGGGTAGGGGGTGGAGGGGGGTGGGGACTGTCAGAGCCTGGGG-3'
Protein context (NP_000325.4, residues 200-220): VIMMAYLTEF[Val210Met]DLGNISALRT